The following is an entry in ClinVar:

ClinVar aggregate classification (germline): Uncertain significance (1 of 4 stars; one submission).

Submission:

Labcorp Genetics (formerly Invitae), Labcorp
Classification: Uncertain significance. Last evaluated: 2022-07-22. Review status: criteria provided, single submitter. Criteria: Invitae Variant Classification Sherloc (09022015). Collection method: clinical testing. Allele origin: germline.
Comment: Algorithms developed to predict the effect of missense changes on protein structure and function are either unavailable or do not agree on the potential impact of this missense change (SIFT: "Deleterious"; PolyPhen-2: "Probably Damaging"; Align-GVGD: "Class C0"). This variant has not been reported in the literature in individuals affected with DENND5A-related conditions. This variant is not present in population databases (gnomAD no frequency). This sequence change replaces threonine, which is neutral and polar, with isoleucine, which is neutral and non-polar, at codon 791 of the DENND5A protein (p.Thr791Ile). In summary, the available evidence is currently insufficient to determine the role of this variant in disease. Therefore, it has been classified as a Variant of Uncertain Significance.

NM_015213.4(DENND5A):c.2372C>T (p.Thr791Ile)

Gene: DENND5A (DENN domain containing 5A; minus strand). Cytogenetic location: 11p15.4.
Variant type: single nucleotide variant.
Coding change: c.2372C>T on transcript NM_015213.4 (MANE Select); coding-DNA position 2372, C replaced by T.
Protein change: p.Thr791Ile; replaces threonine 791 with isoleucine.
Molecular consequence: missense variant. On other transcripts: non-coding transcript variant (1).
Genome position (GRCh38, 1-based): chr11:9,160,777, G>A on the plus strand (C>T on the coding strand, the complement: DENND5A is on the minus strand). VCF-style: chr11-9160777-G-A. GRCh37 (hg19) VCF-style: chr11-9182324-G-A.
Other names: c.2372C>T, p.Thr791Ile (NM_001243254.2, NM_001348748.1); c.2300C>T, p.Thr767Ile (NM_001348749.2); c.2084C>T, p.Thr695Ile (NM_001348750.2); short protein forms T695I, T767I, T791I.
Identifiers: ClinVar variation 2018956 (VCV002018956.4), dbSNP rs1847954189, ClinGen allele CA379608070.